The following is an entry in ClinVar:

NM_005573.4(LMNB1):c.632T>G (p.Met211Arg)

Gene: LMNB1 (lamin B1; plus strand). Cytogenetic location: 5q23.2.
Variant type: single nucleotide variant.
Coding change: c.632T>G on transcript NM_005573.4 (MANE Select); coding-DNA position 632, T replaced by G.
Protein change: p.Met211Arg; replaces methionine 211 with arginine.
Molecular consequence: missense variant. On other transcripts: initiator codon variant (1), non-coding transcript variant (2).
Genome position (GRCh38, 1-based): chr5:126,805,686, T>G. VCF-style: chr5-126805686-T-G. GRCh37 (hg19) VCF-style: chr5-126141378-T-G.
Other names: c.2T>G, p.Met1Arg (NM_001198557.2); short protein forms M1R, M211R.
Identifiers: ClinVar variation 4282103 (VCV004282103.1).

ClinVar aggregate classification (germline): Uncertain significance (1 of 4 stars; one submission).

Submission:

GeneDx
Classification: Uncertain significance. Last evaluated: 2025-04-13. Review status: criteria provided, single submitter. Criteria: GeneDx Variant Classification Process June 2021. Collection method: clinical testing. Allele origin: germline. Affected: yes.
Comment: Not observed at significant frequency in large population cohorts (gnomAD); In silico analysis supports that this missense variant has a deleterious effect on protein structure/function; In silico analysis supports a deleterious effect on splicing; Has not been previously published as pathogenic or benign to our knowledge